The following is an entry in ClinVar:

NM_000179.3(MSH6):c.877C>T (p.Pro293Ser)

Gene: MSH6 (mutS homolog 6; plus strand). Cytogenetic location: 2p16.3.
Variant type: single nucleotide variant.
Coding change: c.877C>T on transcript NM_000179.3 (MANE Select); coding-DNA position 877, C replaced by T.
Protein change: p.Pro293Ser; replaces proline 293 with serine.
Molecular consequence: missense variant. On other transcripts: 5 prime UTR variant (2).
Genome position (GRCh38, 1-based): chr2:47,798,860, C>T. VCF-style: chr2-47798860-C-T. GRCh37 (hg19) VCF-style: chr2-48025999-C-T.
Other names: c.487C>T, p.Pro163Ser (NM_001281492.2); c.-30C>T (NM_001281493.2, NM_001281494.2); short protein forms P293S, P163S.
Identifiers: ClinVar variation 491994 (VCV000491994.20), dbSNP rs756935130, ClinGen allele CA073534.

ClinVar aggregate classification (germline): Conflicting classifications of pathogenicity. Review status: criteria provided, conflicting classifications (1 of 4 stars). 6 submissions from 6 submitters: Uncertain significance (5); Likely benign (1). Last evaluated 2025-12-17.

Conditions:
Mismatch repair cancer syndrome 3. Identifiers: MedGen C5436807, MONDO:0030841, OMIM 619097.
Endometrial carcinoma. Also called: Endometrial carcinoma, somatic. Identifiers: MedGen C0476089, MONDO:0002447, OMIM 608089, HP:0012114.
Lynch syndrome 5 (LYNCH5). Also called: Colorectal cancer, hereditary nonpolyposis, type 5; Hereditary non-polyposis colorectal cancer, type 5. Identifiers: Orphanet 144, MedGen C1833477, MONDO:0013710, OMIM 614350. Disease mechanism: loss of function.
Hereditary nonpolyposis colorectal neoplasms. Identifiers: MedGen C0009405, MeSH D003123.
Lynch syndrome. Identifiers: Orphanet 144, MedGen C4552100, MONDO:0005835. Disease mechanism: loss of function.
Hereditary cancer-predisposing syndrome. Also called: Hereditary neoplastic syndrome; Tumor predisposition; Hereditary Cancer Syndrome; Neoplastic Syndromes, Hereditary. Identifiers: Orphanet 140162, MedGen C0027672, MeSH D009386, MONDO:0015356.

Allele frequency attached by ClinVar (database versions not stated): gnomAD exomes below 0.00001 and 0.00001; ExAC 0.00001.
gnomAD v4.1: 4 of 1,614,098 alleles (0.00025%); highest among the groups gnomAD compares: Admixed American, 0.0033%; no homozygotes.

Submissions (6):

Labcorp Genetics (formerly Invitae), Labcorp
Classification: Likely benign for Hereditary nonpolyposis colorectal neoplasms. Last evaluated: 2025-12-17. Review status: criteria provided, single submitter. Criteria: Invitae Variant Classification Sherloc (09022015). Collection method: clinical testing. Allele origin: germline.

Ambry Genetics
Classification: Uncertain significance for Hereditary cancer-predisposing syndrome. Last evaluated: 2025-12-07. Review status: criteria provided, single submitter. Criteria: Ambry Variant Classification Scheme 2023. Collection method: clinical testing. Allele origin: germline.
Comment: The p.P293S variant (also known as c.877C>T), located in coding exon 4 of the MSH6 gene, results from a C to T substitution at nucleotide position 877. The proline at codon 293 is replaced by serine, an amino acid with similar properties. This amino acid position is not well conserved in available vertebrate species. In addition, this alteration is predicted to be tolerated by in silico analysis. Since supporting evidence is limited at this time, the clinical significance of this alteration remains unclear.

Color Diagnostics, LLC DBA Color Health
Classification: Uncertain significance for Hereditary cancer-predisposing syndrome. Last evaluated: 2025-09-05. Review status: criteria provided, single submitter. Criteria: ACMG Guidelines, 2015. Collection method: clinical testing. Allele origin: germline.
Comment: This missense variant replaces proline with serine at codon 293 of the MSH6 protein. Computational prediction suggests that this variant may not impact protein structure and function. To our knowledge, functional studies have not been reported for this variant. This variant has not been reported in individuals affected with MSH6-related disorders in the literature. This variant has been identified in 1/251220 chromosomes in the general population by the Genome Aggregation Database (gnomAD). The available evidence is insufficient to determine the role of this variant in disease conclusively. Therefore, this variant is classified as a Variant of Uncertain Significance.

All of Us Research Program, National Institutes of Health
Classification: Uncertain significance for Lynch syndrome. Last evaluated: 2024-08-13. Review status: criteria provided, single submitter. Criteria: ACMG Guidelines, 2015. Collection method: clinical testing. Allele origin: germline. Inheritance: Autosomal dominant inheritance. Observed: 1 variant allele, 1 heterozygote.
Comment: This missense variant replaces proline with serine at codon 293 of the MSH6 protein. Computational prediction suggests that this variant may not impact protein structure and function (internally defined REVEL score threshold <= 0.5, PMID: 27666373). To our knowledge, functional studies have not been reported for this variant. This variant has not been reported in individuals affected with MSH6-related disorders in the literature. This variant has been identified in 1/251220 chromosomes in the general population by the Genome Aggregation Database (gnomAD). The available evidence is insufficient to determine the role of this variant in disease conclusively. Therefore, this variant is classified as a Variant of Uncertain Significance.

This study involves interpretation of variants in research participants for the purpose of population health screening. Participant phenotype was not available at the time of variant classification. Additional details can be found in publication PMID: 35346344, PMCID: PMC8962531

Fulgent Genetics
Classification: Uncertain significance for Endometrial carcinoma; Lynch syndrome 5; Mismatch repair cancer syndrome 3. Last evaluated: 2024-02-16. Review status: criteria provided, single submitter. Criteria: ACMG Guidelines, 2015. Collection method: clinical testing. Allele origin: germline.

GeneDx
Classification: Uncertain significance. Last evaluated: 2022-06-08. Review status: criteria provided, single submitter. Criteria: GeneDx Variant Classification Process June 2021. Collection method: clinical testing. Allele origin: germline. Affected: yes.
Comment: Not observed at a significant frequency in large population cohorts (gnomAD); In silico analysis supports that this missense variant has a deleterious effect on protein structure/function; Has not been previously published as pathogenic or benign to our knowledge